The following is an entry in ClinVar:

ClinVar aggregate classification (germline): Uncertain significance. Review status: criteria provided, multiple submitters, no conflicts (2 of 4 stars). 3 submissions from 3 submitters: Uncertain significance (2). 1 of the submissions does not count toward it. Last evaluated 2026-02-06.

Conditions:
MKS1-related disorder. Also called: MKS1-related condition; MKS1-related disorders. Identifiers: MedGen CN239382.
Joubert syndrome 28 (JBTS28). Identifiers: MedGen C4310705, MONDO:0014928, OMIM 617121.
Bardet-Biedl syndrome 13 (BBS13). Identifiers: Orphanet 110, MedGen C2673873, MONDO:0014441, OMIM 615990.
Meckel syndrome, type 1 (MKS1). Also called: MECKEL-GRUBER SYNDROME, TYPE 1. Identifiers: Orphanet 564, MedGen C3714506, MONDO:0009571, OMIM 249000.
Meckel-Gruber syndrome. Also called: DYSENCEPHALIA SPLANCHNOCYSTICA; GRUBER SYNDROME; Dysencephalia splachnocystica. Identifiers: Orphanet 564, MedGen C0265215, MONDO:0018921.

Allele frequency attached by ClinVar (database versions not stated): gnomAD 0.00001; TOPMed 0.00001.
gnomAD v4.1: 13 of 1,613,698 alleles (0.00081%); highest among the groups gnomAD compares: South Asian, 0.0033%; no homozygotes.

Submissions (3):

PreventionGenetics, part of Exact Sciences
Classification: Uncertain significance for MKS1-related condition. Last evaluated: 2026-02-06. Review status: criteria provided, single submitter. Criteria: ACMG Guidelines, 2015. Collection method: clinical testing. Allele origin: germline.
Comment: The MKS1 c.110A>G variant is predicted to result in the amino acid substitution p.Asn37Ser. To our knowledge, this variant has not been reported in the literature. This variant is reported in 0.0033% of alleles in individuals of South Asian descent in gnomAD. At this time, the clinical significance of this variant is uncertain due to the absence of conclusive functional and genetic evidence.

Genetic Services Laboratory, University of Chicago
Classification: Uncertain significance for Meckel Gruber syndrome. Last evaluated: 2013-08-02. Review status: criteria provided, single submitter. Criteria: ACMG Guidelines, 2007. Collection method: clinical testing. Allele origin: germline. Inheritance: Autosomal recessive inheritance. Observed: 1 variant allele.

Counsyl
Classification: Uncertain significance for Meckel syndrome, type 1; Bardet-Biedl syndrome 13; Joubert syndrome 28. Last evaluated: 2017-12-11. Review status: no assertion criteria provided. Collection method: clinical testing. Allele origin: unknown. Not counted in ClinVar's aggregate classification.

NM_017777.4(MKS1):c.110A>G (p.Asn37Ser)

Gene: MKS1 (MKS transition zone complex subunit 1; minus strand). Cytogenetic location: 17q22.
Variant type: single nucleotide variant.
Coding change: c.110A>G on transcript NM_017777.4 (MANE Select); coding-DNA position 110, A replaced by G.
Protein change: p.Asn37Ser; replaces asparagine 37 with serine.
Molecular consequence: missense variant. On other transcripts: 5 prime UTR variant (1).
Genome position (GRCh38, 1-based): chr17:58,218,700, T>C on the plus strand (A>G on the coding strand, the complement: MKS1 is on the minus strand). VCF-style: chr17-58218700-T-C. GRCh37 (hg19) VCF-style: chr17-56296061-T-C.
Other names: c.-402A>G (NM_001321268.2); c.110A>G, p.Asn37Ser (NM_001321269.2, NM_001330397.2); short protein forms N37S.
Identifiers: ClinVar variation 126271 (VCV000126271.8), dbSNP rs587779734, ClinGen allele CA150928.